The following is an entry in ClinVar:

ClinVar aggregate classification (germline): Uncertain significance (1 of 4 stars; one submission).

Submission:

Labcorp Genetics (formerly Invitae), Labcorp
Classification: Uncertain significance. Last evaluated: 2024-10-30. Review status: criteria provided, single submitter. Criteria: Invitae Variant Classification Sherloc (09022015). Collection method: clinical testing. Allele origin: germline.
Comment: The FMN1 gene has multiple clinically relevant transcripts. This variant occurs in alternate transcript NM_001277314.1, and corresponds to NM_001103184.3:c.-85739A>C in the primary transcript. This sequence change replaces aspartic acid, which is acidic and polar, with alanine, which is neutral and non-polar, at codon 431 of the FMN1 protein (p.Asp431Ala). This variant is not present in population databases (gnomAD no frequency). This variant has not been reported in the literature in individuals affected with FMN1-related conditions. Experimental studies and prediction algorithms are not available or were not evaluated, and the functional significance of this variant is currently unknown. In summary, the available evidence is currently insufficient to determine the role of this variant in disease. Therefore, it has been classified as a Variant of Uncertain Significance.

NM_001277313.2(FMN1):c.1292A>C (p.Asp431Ala)

Gene: FMN1 (formin 1; minus strand). Cytogenetic location: 15q13.3.
Variant type: single nucleotide variant.
Coding change: c.1292A>C on transcript NM_001277313.2 (MANE Select); coding-DNA position 1292, A replaced by C.
Protein change: p.Asp431Ala; replaces aspartic acid 431 with alanine.
Molecular consequence: missense variant.
Genome position (GRCh38, 1-based): chr15:33,153,623, T>G on the plus strand (A>C on the coding strand, the complement: FMN1 is on the minus strand). VCF-style: chr15-33153623-T-G. GRCh37 (hg19) VCF-style: chr15-33445824-T-G.
Other names: c.1292A>C, p.Asp431Ala (NM_001277314.2); short protein forms D431A.
Identifiers: ClinVar variation 3721925 (VCV003721925.2).
Genomic context (GRCh38, chr15:33,153,623, plus strand): 5'-CGAGTGTGAGGGACACTCGTGTGGACAGGGAAGCCCAGTCTTTTCCCCTCAGGGGCTTCA[T>G]CTAACTTCTCACTCTCTATCACCTTCAGGGGGACCTTGTTCACGGCCCCCTCGGCACTGG-3'
Protein context (NP_001264242.1, residues 421-441): PLKVIESEKL[Asp431Ala]EAPEGKRLGF